The following is an entry in ClinVar:

ClinVar aggregate classification (germline): Uncertain significance (1 of 4 stars; one submission).

Conditions:
Hereditary sensory and autonomic neuropathy with spastic paraplegia (HSNSP). Identifiers: Orphanet 139578, MedGen C1850395, MONDO:0009748, OMIM 256840.

gnomAD v4.1: 6 of 1,614,126 alleles (0.00037%); highest among the groups gnomAD compares: Non-Finnish European, 0.00051%; no homozygotes.

Submission:

Labcorp Genetics (formerly Invitae), Labcorp
Classification: Uncertain significance for Hereditary sensory and autonomic neuropathy with spastic paraplegia. Last evaluated: 2025-08-26. Review status: criteria provided, single submitter. Criteria: Invitae Variant Classification Sherloc (09022015). Collection method: clinical testing. Allele origin: germline.
Comment: This sequence change replaces valine, which is neutral and non-polar, with isoleucine, which is neutral and non-polar, at codon 325 of the CCT5 protein (p.Val325Ile). This variant is present in population databases (no rsID available, gnomAD 0.002%). This variant has not been reported in the literature in individuals affected with CCT5-related conditions. Invitae Evidence Modeling of protein sequence and biophysical properties (such as structural, functional, and spatial information, amino acid conservation, physicochemical variation, residue mobility, and thermodynamic stability) indicates that this missense variant is not expected to disrupt CCT5 protein function with a negative predictive value of 80%. In summary, the available evidence is currently insufficient to determine the role of this variant in disease. Therefore, it has been classified as a Variant of Uncertain Significance.

NM_012073.5(CCT5):c.973G>A (p.Val325Ile)

Gene: CCT5 (chaperonin containing TCP1 subunit 5; plus strand). Cytogenetic location: 5p15.2.
Variant type: single nucleotide variant.
Coding change: c.973G>A on transcript NM_012073.5 (MANE Select); coding-DNA position 973, G replaced by A.
Protein change: p.Val325Ile; replaces valine 325 with isoleucine.
Molecular consequence: missense variant.
Genome position (GRCh38, 1-based): chr5:10,260,891, G>A. VCF-style: chr5-10260891-G-A. GRCh37 (hg19) VCF-style: chr5-10261003-G-A.
Other names: c.910G>A, p.Val304Ile (NM_001306153.1); c.808G>A, p.Val270Ile (NM_001306154.2); c.694G>A, p.Val232Ile (NM_001306155.2); c.859G>A, p.Val287Ile (NM_001306156.2); short protein forms V270I, V287I, V304I, V232I, V325I.
Identifiers: ClinVar variation 4744693 (VCV004744693.1).
Genomic context (GRCh38, chr5:10,260,891, plus strand): 5'-GGCTTTGATGATGAAGCAAATCACTTACTTCTTCAGAACAACTTGCCTGCGGTTCGCTGG[G>A]TAGGAGGACCTGAAATTGAGGTAGGATGTTCCACGTGAAGAGACTTTGAGAAGTAGGGGT-3'
Protein context (NP_036205.1, residues 315-335): LQNNLPAVRW[Val325Ile]GGPEIELIAI